The following is an entry in ClinVar:

ClinVar aggregate classification (germline): Pathogenic (1 of 4 stars; one submission).

Submission:

Labcorp Genetics (formerly Invitae), Labcorp
Classification: Pathogenic. Last evaluated: 2021-01-30. Review status: criteria provided, single submitter. Criteria: Invitae Variant Classification Sherloc (09022015). Collection method: clinical testing. Allele origin: germline.
Comment: This variant has been observed in individual(s) with Sotos syndrome (PMID: 14627693). This variant is not present in population databases (ExAC no frequency). This sequence change creates a premature translational stop signal (p.Lys685Phefs*2) in the NSD1 gene. It is expected to result in an absent or disrupted protein product. Loss-of-function variants in NSD1 are known to be pathogenic (PMID: 12464997, 14571271, 15942875, 16247291). For these reasons, this variant has been classified as Pathogenic.

Literature cited by the submitters: PubMed 14627693; PubMed 12464997; PubMed 14571271; PubMed 15942875; PubMed 16247291.

NM_022455.5(NSD1):c.2053_2057del (p.Lys685fs)

Gene: NSD1 (nuclear receptor binding SET domain protein 1; plus strand). Cytogenetic location: 5q35.3.
Variant type: Deletion.
Coding change: c.2053_2057del on transcript NM_022455.5 (MANE Select); coding-DNA positions 2053 to 2057, 5 bases deleted (AAGTA; older notation c.2053_2057delAAGTA).
Protein change: p.Lys685fs; shifts the reading frame from lysine 685.
Molecular consequence: frameshift variant.
Genome position (GRCh38, 1-based): chr5:177,210,452-177,210,456, AAGTA deleted; deleting any 5 consecutive bases within chr5:177,210,450-177,210,456 gives the same sequence; the c. name uses the placement nearest the transcript's 3' end. VCF-style (leftmost placement, unchanged base first): chr5-177210449-ATAAAG-A. GRCh37 (hg19) VCF-style: chr5-176637450-ATAAAG-A.
Other names: c.1180_1184delAAGTA, p.Lys394Phefs (NM_001365684.2, NM_001409306.1, NM_001409307.1 and 3 more transcripts); c.2053_2057delAAGTA, p.Lys685Phefs (NM_001409301.1, NM_001409302.1, NM_001409303.1); c.1633_1637delAAGTA, p.Lys545Phefs (NM_001409304.1); c.1300_1304delAAGTA, p.Lys434Phefs (NM_001409305.1); short protein forms K416fs, K685fs.
Identifiers: ClinVar variation 1451582 (VCV001451582.8), dbSNP rs2149844461, ClinGen allele CA2573139455.